The following is an entry in ClinVar:

ClinVar aggregate classification (germline): Likely benign (1 of 4 stars; one submission).

gnomAD v4.1: 7 of 1,614,244 alleles (0.00043%); highest among the groups gnomAD compares: East Asian, 0.0022%; no homozygotes.

Submission:

Mayo Clinic Laboratories, Mayo Clinic
Classification: Likely benign. Last evaluated: 2025-03-18. Review status: criteria provided, single submitter. Criteria: ACMG Guidelines, 2015. Collection method: clinical testing. Allele origin: germline. Observed: 1 variant allele.
Comment: BP4, BP7

NM_015378.4(VPS13D):c.7800A>T (p.Ala2600=)

Gene: VPS13D (vacuolar protein sorting 13 homolog D; plus strand). Cytogenetic location: 1p36.22.
Variant type: single nucleotide variant.
Coding change: c.7800A>T on transcript NM_015378.4 (MANE Select); coding-DNA position 7800, A replaced by T.
Protein change: p.Ala2600=; no amino-acid change (alanine 2600 retained).
Molecular consequence: synonymous variant.
Genome position (GRCh38, 1-based): chr1:12,322,631, A>T. VCF-style: chr1-12322631-A-T. GRCh37 (hg19) VCF-style: chr1-12382688-A-T.
Other names: p.Ala2600=; c.7800A>T, p.Ala2600= (NM_018156.4).
Identifiers: ClinVar variation 4684640 (VCV004684640.1).